The following is an entry in ClinVar:

ClinVar aggregate classification (germline): Uncertain significance. Review status: criteria provided, multiple submitters, no conflicts (2 of 4 stars). 2 submissions from 2 submitters: Uncertain significance (2). Last evaluated 2025-06-30.

Conditions:
Cardiomyopathy (CMYO). Also called: Cardiomyopathies. Identifiers: Orphanet 167848, MedGen C0878544, MONDO:0004994, HP:0001638. Inheritance: Various modes of inheritance.
Arrhythmogenic cardiomyopathy with wooly hair and keratoderma. Also called: Carvajal syndrome; Dilated cardiomyopathy with woolly hair and keratoderma; Arrhythmogenic cardiomyopathy with woolly hair and keratoderma; PALMOPLANTAR KERATODERMA WITH LEFT VENTRICULAR CARDIOMYOPATHY AND WOOLLY HAIR. Identifiers: Orphanet 65282, MedGen C1854063, MONDO:0011581, OMIM 605676.
Arrhythmogenic right ventricular dysplasia 8 (ARVD8). Also called: Arrhythmogenic Right Ventricular Dysplasia/Cardiomyopathy 8; ARRHYTHMOGENIC RIGHT VENTRICULAR CARDIOMYOPATHY 8; ARRHYTHMOGENIC RIGHT VENTRICULAR DYSPLASIA, FAMILIAL, 8. Identifiers: MedGen C1843896, MONDO:0011831, OMIM 607450.

Allele frequency attached by ClinVar (database versions not stated): gnomAD exomes below 0.00001.
gnomAD v4.1: 3 of 1,614,144 alleles (0.00019%); highest among the groups gnomAD compares: Non-Finnish European, 0.00025%; no homozygotes.

Submissions (2):

Color Diagnostics, LLC DBA Color Health
Classification: Uncertain significance for Cardiomyopathy. Last evaluated: 2025-06-30. Review status: criteria provided, single submitter. Criteria: ACMG Guidelines, 2015. Collection method: clinical testing. Allele origin: germline.
Comment: This missense variant replaces methionine with isoleucine at codon 2684 of the DSP protein. Computational prediction is inconclusive regarding the impact of this variant on protein structure and function. To our knowledge, functional studies have not been reported for this variant. This variant has not been reported in individuals affected with DSP-related disorders in the literature. This variant has been identified in 1/251220 chromosomes in the general population by the Genome Aggregation Database (gnomAD). The available evidence is insufficient to determine the role of this variant in disease conclusively. Therefore, this variant is classified as a Variant of Uncertain Significance.

Labcorp Genetics (formerly Invitae), Labcorp
Classification: Uncertain significance for Arrhythmogenic cardiomyopathy with wooly hair and keratoderma; Arrhythmogenic right ventricular dysplasia 8. Last evaluated: 2022-05-07. Review status: criteria provided, single submitter. Criteria: Invitae Variant Classification Sherloc (09022015). Collection method: clinical testing. Allele origin: germline.
Comment: This variant is present in population databases (no rsID available, gnomAD 0.0009%). In summary, the available evidence is currently insufficient to determine the role of this variant in disease. Therefore, it has been classified as a Variant of Uncertain Significance. Algorithms developed to predict the effect of missense changes on protein structure and function are either unavailable or do not agree on the potential impact of this missense change (SIFT: "Deleterious"; PolyPhen-2: "Probably Damaging"; Align-GVGD: "Class C0"). ClinVar contains an entry for this variant (Variation ID: 841455). This variant has not been reported in the literature in individuals affected with DSP-related conditions. This sequence change replaces methionine, which is neutral and non-polar, with isoleucine, which is neutral and non-polar, at codon 2684 of the DSP protein (p.Met2684Ile).

NM_004415.4(DSP):c.8052G>A (p.Met2684Ile)

Gene: DSP (desmoplakin; plus strand). Cytogenetic location: 6p24.3.
Variant type: single nucleotide variant.
Coding change: c.8052G>A on transcript NM_004415.4 (MANE Select); coding-DNA position 8052, G replaced by A.
Protein change: p.Met2684Ile; replaces methionine 2684 with isoleucine.
Molecular consequence: missense variant.
Genome position (GRCh38, 1-based): chr6:7,585,314, G>A. VCF-style: chr6-7585314-G-A. GRCh37 (hg19) VCF-style: chr6-7585547-G-A.
Other names: c.6255G>A, p.Met2085Ile (NM_001008844.3); c.6723G>A, p.Met2241Ile (NM_001319034.2); short protein forms M2241I, M2684I, M2085I.
Identifiers: ClinVar variation 841455 (VCV000841455.8), dbSNP rs1408242511, ClinGen allele CA362694336.